The following is an entry in ClinVar:

ClinVar aggregate classification (germline): Uncertain significance (1 of 4 stars; one submission).

gnomAD v4.1: 4 of 1,211,422 alleles (0.00033%); highest among the groups gnomAD compares: Non-Finnish European, 0.00045%; no homozygotes.

Submission:

CeGaT Center for Human Genetics Tuebingen
Classification: Uncertain significance. Last evaluated: 2024-05-01. Review status: criteria provided, single submitter. Criteria: CeGaT Center For Human Genetics Tuebingen Variant Classification Criteria Version 2. Collection method: clinical testing. Allele origin: germline. Affected: yes. Observed: 1 variant allele.
Comment: FRMPD4: PM2, BP4

NM_001368397.1(FRMPD4):c.3446G>T (p.Arg1149Leu)

Gene: FRMPD4 (FERM and PDZ domain containing 4; plus strand). Cytogenetic location: Xp22.2.
Variant type: single nucleotide variant.
Coding change: c.3446G>T on transcript NM_001368397.1 (MANE Select); coding-DNA position 3446, G replaced by T.
Protein change: p.Arg1149Leu; replaces arginine 1149 with leucine.
Molecular consequence: missense variant.
Genome position (GRCh38, 1-based): chrX:12,718,272, G>T. VCF-style: chrX-12718272-G-T. GRCh37 (hg19) VCF-style: chrX-12736391-G-T.
Other names: c.3557G>T, p.Arg1186Leu (NM_001368395.3, NM_001368398.3); c.3452G>T, p.Arg1151Leu (NM_001368396.3); c.3437G>T, p.Arg1146Leu (NM_001368399.3); c.3326G>T, p.Arg1109Leu (NM_001368400.3); c.3422G>T, p.Arg1141Leu (NM_001368401.1, NM_001368402.3); c.3446G>T, p.Arg1149Leu (NM_014728.3); short protein forms R1109L, R1141L, R1146L, R1149L, R1151L, R1186L.
Identifiers: ClinVar variation 3239306 (VCV003239306.19), dbSNP rs370685444.